The following is an entry in ClinVar:

ClinVar aggregate classification (germline): Likely benign. Review status: criteria provided, multiple submitters, no conflicts (2 of 4 stars). 2 submissions from 2 submitters: Likely benign (2). Last evaluated 2025-08-26.

Conditions:
Arrhythmogenic cardiomyopathy with wooly hair and keratoderma. Also called: PALMOPLANTAR KERATODERMA WITH LEFT VENTRICULAR CARDIOMYOPATHY AND WOOLLY HAIR; Arrhythmogenic cardiomyopathy with woolly hair and keratoderma; Carvajal syndrome; Dilated cardiomyopathy with woolly hair and keratoderma. Identifiers: Orphanet 65282, MedGen C1854063, MONDO:0011581, OMIM 605676.
Arrhythmogenic right ventricular dysplasia 8 (ARVD8). Also called: ARRHYTHMOGENIC RIGHT VENTRICULAR DYSPLASIA, FAMILIAL, 8; ARRHYTHMOGENIC RIGHT VENTRICULAR CARDIOMYOPATHY 8; Arrhythmogenic Right Ventricular Dysplasia/Cardiomyopathy 8. Identifiers: MedGen C1843896, MONDO:0011831, OMIM 607450.

Allele frequency attached by ClinVar (database versions not stated): gnomAD exomes 0.00001.
gnomAD v4.1: 19 of 1,612,542 alleles (0.0012%); highest among the groups gnomAD compares: Non-Finnish European, 0.0015%; no homozygotes.

Submissions (2):

Labcorp Genetics (formerly Invitae), Labcorp
Classification: Likely benign for Arrhythmogenic cardiomyopathy with wooly hair and keratoderma; Arrhythmogenic right ventricular dysplasia 8. Last evaluated: 2025-08-26. Review status: criteria provided, single submitter. Criteria: Invitae Variant Classification Sherloc (09022015). Collection method: clinical testing. Allele origin: germline.

GeneDx
Classification: Likely benign. Last evaluated: 2018-05-21. Review status: criteria provided, single submitter. Criteria: GeneDx Variant Classification (06012015). Collection method: clinical testing. Allele origin: germline. Affected: yes.
Comment: This variant is considered likely benign or benign based on one or more of the following criteria: it is a conservative change, it occurs at a poorly conserved position in the protein, it is predicted to be benign by multiple in silico algorithms, and/or has population frequency not consistent with disease.

NM_004415.4(DSP):c.273+11C>G

Gene: DSP (desmoplakin; plus strand). Cytogenetic location: 6p24.3.
Variant type: single nucleotide variant.
Coding change: c.273+11C>G on transcript NM_004415.4 (MANE Select); 11 bases into the intron after coding-DNA position 273, C replaced by G.
Molecular consequence: intron variant.
Genome position (GRCh38, 1-based): chr6:7,555,831, C>G. VCF-style: chr6-7555831-C-G. GRCh37 (hg19) VCF-style: chr6-7556064-C-G.
Other names: c.273+11C>G (NM_001319034.2, NM_001008844.3).
Identifiers: ClinVar variation 668529 (VCV000668529.4), dbSNP rs1234194955, ClinGen allele CA565099090.